The following is an entry in ClinVar:

NM_001123385.2(BCOR):c.2926C>T (p.Arg976Ter)

Gene: BCOR (BCL6 corepressor; minus strand). Cytogenetic location: Xp11.4.
Variant type: single nucleotide variant.
Coding change: c.2926C>T on transcript NM_001123385.2 (MANE Select); coding-DNA position 2926, C replaced by T.
Protein change: p.Arg976Ter; replaces arginine 976 with a stop codon.
Molecular consequence: nonsense.
Genome position (GRCh38, 1-based): chrX:40,072,420, G>A on the plus strand (C>T on the coding strand, the complement: BCOR is on the minus strand). VCF-style: chrX-40072420-G-A. GRCh37 (hg19) VCF-style: chrX-39931673-G-A.
Other names: c.2926C>T, p.Arg976Ter (NM_001123383.2, NM_001123384.2, NM_017745.6); short protein forms R976*.
Identifiers: ClinVar variation 10913 (VCV000010913.3), dbSNP rs121434619, ClinGen allele CA255609.

ClinVar aggregate classification (germline): Pathogenic. Review status: criteria provided, multiple submitters, no conflicts (2 of 4 stars). 3 submissions from 3 submitters: Pathogenic (2). 1 of the submissions does not count toward it. Last evaluated 2025-07-16.

Conditions:
Oculofaciocardiodental syndrome (MCOPS2). Identifiers: Orphanet 2712, MedGen C1846265, MONDO:0010261, OMIM 300166.

Submissions (3):

Labcorp Genetics (formerly Invitae), Labcorp
Classification: Pathogenic for Oculofaciocardiodental syndrome. Last evaluated: 2025-07-16. Review status: criteria provided, single submitter. Criteria: Invitae Variant Classification Sherloc (09022015). Collection method: clinical testing. Allele origin: germline.
Comment: This sequence change creates a premature translational stop signal (p.Arg976*) in the BCOR gene. It is expected to result in an absent or disrupted protein product. Loss-of-function variants in BCOR are known to be pathogenic (PMID: 15004558, 19367324). This variant is not present in population databases (gnomAD no frequency). This premature translational stop signal has been observed in individual(s) with oculofaciocardiodental syndrome (PMID: 15004558). ClinVar contains an entry for this variant (Variation ID: 10913). For these reasons, this variant has been classified as Pathogenic.

Greenwood Genetic Center Diagnostic Laboratories, Greenwood Genetic Center
Classification: Pathogenic for Oculofaciocardiodental syndrome. Last evaluated: 2024-01-03. Review status: criteria provided, single submitter. Criteria: ACMG Guidelines, 2015. Collection method: clinical testing. Allele origin: germline. Affected: yes.
Comment: PVS1, PS4_Supporting, PM2, PP1

OMIM
Classification: Pathogenic for MICROPHTHALMIA, SYNDROMIC 2. Last evaluated: 2009-10-01. Review status: no assertion criteria provided. Collection method: literature only. Allele origin: germline. Not counted in ClinVar's aggregate classification.

Literature cited by the submitters: PubMed 15004558 (cited by Labcorp Genetics (formerly Invitae), Labcorp and OMIM); PubMed 19367324 (cited by Labcorp Genetics (formerly Invitae), Labcorp and OMIM); PubMed 16829040 (cited by OMIM).